The following is an entry in ClinVar:

NM_000937.5(POLR2A):c.21C>A (p.Pro7=)

Gene: POLR2A (RNA polymerase II subunit A; plus strand). Cytogenetic location: 17p13.1.
Variant type: single nucleotide variant.
Coding change: c.21C>A on transcript NM_000937.5 (MANE Select); coding-DNA position 21, C replaced by A.
Protein change: p.Pro7=; no amino-acid change (proline 7 retained).
Molecular consequence: synonymous variant.
Genome position (GRCh38, 1-based): chr17:7,484,785, C>A. VCF-style: chr17-7484785-C-A. GRCh37 (hg19) VCF-style: chr17-7388104-C-A.
Identifiers: ClinVar variation 4681991 (VCV004681991.5).

ClinVar aggregate classification (germline): Likely benign (1 of 4 stars; one submission).

Submission:

CeGaT Center for Human Genetics Tuebingen
Classification: Likely benign. Last evaluated: 2025-12-01. Review status: criteria provided, single submitter. Criteria: CeGaT Center For Human Genetics Tuebingen Variant Classification Criteria Version 2. Collection method: clinical testing. Allele origin: germline. Affected: yes. Observed: 1 variant allele.
Comment: POLR2A: BP4, BP7